The following is an entry in ClinVar:

NM_053025.4(MYLK):c.2120A>G (p.Gln707Arg)

Gene: MYLK (myosin light chain kinase; minus strand). Cytogenetic location: 3q21.1.
Variant type: single nucleotide variant.
Coding change: c.2120A>G on transcript NM_053025.4 (MANE Select); coding-DNA position 2120, A replaced by G.
Protein change: p.Gln707Arg; replaces glutamine 707 with arginine.
Molecular consequence: missense variant.
Genome position (GRCh38, 1-based): chr3:123,708,718, T>C on the plus strand (A>G on the coding strand, the complement: MYLK is on the minus strand). VCF-style: chr3-123708718-T-C. GRCh37 (hg19) VCF-style: chr3-123427565-T-C.
Other names: p.Gln707Arg; c.1592A>G, p.Gln531Arg (NM_001321309.2); c.1913A>G, p.Gln638Arg (NM_053026.4, NM_053028.4); c.2120A>G, p.Gln707Arg (NM_053027.4); short protein forms Q707R, Q638R, Q531R.
Identifiers: ClinVar variation 194568 (VCV000194568.25), dbSNP rs201615936, ClinGen allele CA024826.

ClinVar aggregate classification (germline): Conflicting classifications of pathogenicity. Review status: criteria provided, conflicting classifications (1 of 4 stars). 6 submissions from 6 submitters: Uncertain significance (2); Likely benign (4). Last evaluated 2025-10-16.

Conditions:
Familial thoracic aortic aneurysm and aortic dissection (TAAD). Also called: Thoracic aortic aneurysms and dissections. Identifiers: Orphanet 91387, MedGen C4707243, MONDO:0019625.
Aortic aneurysm, familial thoracic 7 (AAT7). Also called: AORTIC DISSECTION, FAMILIAL, WITH OR WITHOUT AORTIC ANEURYSM. Identifiers: MedGen C3151077, MONDO:0013418, OMIM 613780.

Allele frequency attached by ClinVar (database versions not stated): gnomAD 0.00007; gnomAD exomes 0.00007 and 0.00019; TOPMed 0.00011; ExAC 0.00013.
gnomAD v4.1: 114 of 1,614,000 alleles (0.0071%); highest among the groups gnomAD compares: Admixed American, 0.028%; no homozygotes.

Submissions (6):

Mayo Clinic Laboratories, Mayo Clinic
Classification: Likely benign. Last evaluated: 2025-10-16. Review status: criteria provided, single submitter. Criteria: ACMG Guidelines, 2015. Collection method: clinical testing. Allele origin: germline. Observed: 2 variant alleles.
Comment: BS1, BP4_moderate

Labcorp Genetics (formerly Invitae), Labcorp
Classification: Likely benign for Aortic aneurysm, familial thoracic 7. Last evaluated: 2025-10-11. Review status: criteria provided, single submitter. Criteria: Invitae Variant Classification Sherloc (09022015). Collection method: clinical testing. Allele origin: germline.

Ambry Genetics
Classification: Likely benign for Familial thoracic aortic aneurysm and aortic dissection. Last evaluated: 2025-06-18. Review status: criteria provided, single submitter. Criteria: Ambry Variant Classification Scheme 2023. Collection method: clinical testing. Allele origin: germline.

GeneDx
Classification: Likely benign. Last evaluated: 2021-04-26. Review status: criteria provided, single submitter. Criteria: GeneDx Variant Classification Process June 2021. Collection method: clinical testing. Allele origin: germline. Affected: yes.

Illumina Laboratory Services, Illumina
Classification: Uncertain significance for Aortic aneurysm, familial thoracic 7. Last evaluated: 2018-01-12. Review status: criteria provided, single submitter. Criteria: ICSL Variant Classification Criteria 13 December 2019. Collection method: clinical testing. Allele origin: germline.

Eurofins Ntd Llc (ga)
Classification: Uncertain significance. Last evaluated: 2015-02-09. Review status: criteria provided, single submitter. Criteria: EGL Classification Definitions 2015. Collection method: clinical testing. Allele origin: germline. Observed: 1 variant allele, 1 heterozygote.